The following is an entry in ClinVar:

NM_175914.5(HNF4A):c.403C>T (p.Gln135Ter)

Gene: HNF4A (hepatocyte nuclear factor 4 alpha; plus strand). Cytogenetic location: 20q13.12.
Variant type: single nucleotide variant.
Coding change: c.403C>T on transcript NM_175914.5 (MANE Select); coding-DNA position 403, C replaced by T.
Protein change: p.Gln135Ter; replaces glutamine 135 with a stop codon.
Molecular consequence: nonsense.
Genome position (GRCh38, 1-based): chr20:44,413,777, C>T. VCF-style: chr20-44413777-C-T. GRCh37 (hg19) VCF-style: chr20-43042417-C-T.
Other names: NM_175914.5(HNF4A):c.403C>T; p.Gln135Ter; c.469C>T, p.Gln157Ter (NM_000457.6, NM_178849.3, NM_178850.3); c.403C>T, p.Gln135Ter (NM_001030003.3, NM_001030004.3); c.448C>T, p.Gln150Ter (NM_001258355.2); c.394C>T, p.Gln132Ter (NM_001287182.2, NM_001287183.2, NM_001287184.2); short protein forms Q132*, Q135*, Q157*, Q150*.
Identifiers: ClinVar variation 450787 (VCV000450787.9), dbSNP rs1555815158, ClinGen allele CA409105749.

ClinVar aggregate classification (germline): Pathogenic. Review status: reviewed by expert panel (3 of 4 stars). 4 submissions from 4 submitters: Pathogenic (1). 3 of the submissions do not count toward it. Last evaluated 2024-04-05.

Conditions:
Maturity-onset diabetes of the young (MODY). Also called: Maturity onset diabetes mellitus in young. Identifiers: Orphanet 552, MedGen C0342276, MONDO:0018911, HP:0004904.
Monogenic diabetes. Identifiers: Orphanet 183625, MedGen C3888631, MONDO:0015967.

Submissions (4):

ClinGen Monogenic Diabetes Variant Curation Expert Panel
Classification: Pathogenic for Monogenic diabetes. Last evaluated: 2024-04-05. Review status: reviewed by expert panel. Criteria: ClinGen Diabetes ACMG Specifications HNF4A V2.0.0. Collection method: curation. Allele origin: germline. Inheritance: Autosomal dominant inheritance.
Comment: The c.403C>T variant in the hepatocyte nuclear factor 4-alpha gene, HNF4A, results in a premature termination at codon 135 (p.(Gln135Ter)) of NM_175914.5. This variant, located in biologically-relevant exon 4 of 10, is predicted to lead to nonsense mediated decay in a gene in which loss-of-function is an established disease mechanism (PVS1; PMID: 23348805). This variant is absent in gnomAD v2.1.1 (PM2_Supporting). It was identified in at least three unrelated individuals with non-autoimmune and non-absolute/near-absolute insulin-deficient diabetes; however, PS4_Moderate cannot be applied because this number is below the ClinGen MDEP threshold (ClinVar ID:450787, internal lab contributor). Additionally, the variant segregated with diabetes, with three informative meioses in one family with MODY (PP1; internal lab contributor). In summary, c.403C>T meets the criteria to be classified as pathogenic for monogenic diabetes. ACMG/AMP criteria applied, as specified by the ClinGen MDEP (specidication version 2.0.0, approved 10/11/23): PVS1, PP1,1 PM2_Supporting.

GeneDx
Classification: Pathogenic. Last evaluated: 2020-02-07. Review status: criteria provided, single submitter. Criteria: GeneDx Variant Classification Process June 2021. Collection method: clinical testing. Allele origin: germline. Affected: yes. Not counted in ClinVar's aggregate classification.
Comment: Nonsense variant predicted to result in protein truncation or nonsense mediated decay in a gene for which loss-of-function is a known mechanism of disease; Not observed in large population cohorts (Lek et al., 2016); Has not been previously published as pathogenic or benign to our knowledge

Genetic Services Laboratory, University of Chicago
Classification: Pathogenic. Last evaluated: 2018-11-30. Review status: criteria provided, single submitter. Criteria: ACMG Guidelines, 2015. Collection method: clinical testing. Allele origin: germline. Affected: yes. Not counted in ClinVar's aggregate classification.
Comment: DNA sequence analysis of the HNF4A gene demonstrated a sequence change, c.403C>T, which results in the creation of a premature stop codon at amino acid position 135, p.Gln135*. This sequence change is predicted to result in an abnormal transcript, which is likely to be degraded, or lead to the production of a truncated HNF4A protein with potentially abnormal function. This pathogenic sequence change has not been previously been described in the literature in patients with HNF4A-related diabetes, and is also absent from large population databases such as gnomAD.

Clinical Genomics, Uppaluri K&H Personalized Medicine Clinic
Classification: Likely pathogenic for Maturity-onset diabetes of the young. Review status: criteria provided, single submitter. Criteria: K & H Uppaluri Personalized Medicine Clinic Variant Classification & Assertion Criteria_Updated V.1. Collection method: research. Allele origin: unknown. Inheritance: Autosomal dominant inheritance. Not counted in ClinVar's aggregate classification.
Comment: Potent mutations in HNF4A are associated with poor insulin secretion in response to hyperglycemia. Associated with MODY1. Patients initially respond well to sulfonylureas but eventually become insulin dependent. However, more evidence is required to ascertain the role of this particular variant rs1555815158 in MODY, yet.

Literature cited by the submitters: DOI 10.1159/000334532 (cited by Clinical Genomics, Uppaluri K&H Personalized Medicine Clinic); PubMed 18268044 (cited by Clinical Genomics, Uppaluri K&H Personalized Medicine Clinic); PubMed 17563455 (cited by Clinical Genomics, Uppaluri K&H Personalized Medicine Clinic); PubMed 32583173 (cited by Clinical Genomics, Uppaluri K&H Personalized Medicine Clinic); PubMed 35052457 (cited by Clinical Genomics, Uppaluri K&H Personalized Medicine Clinic); PubMed 35118593 (cited by Clinical Genomics, Uppaluri K&H Personalized Medicine Clinic).